The following is an entry in ClinVar:

ClinVar aggregate classification (germline): Conflicting classifications of pathogenicity. Review status: criteria provided, conflicting classifications (1 of 4 stars). 2 submissions from 2 submitters: Likely pathogenic (1); Uncertain significance (1). Last evaluated 2025-03-31.

Conditions:
Charcot-Marie-Tooth disease axonal type 2F (CMT2F). Also called: Charcot-Marie-Tooth Neuropathy Type 2F; CHARCOT-MARIE-TOOTH DISEASE, NEURONAL, TYPE 2F. Identifiers: Orphanet 99940, MedGen C1847823, MONDO:0011687, OMIM 606595.

Allele frequency attached by ClinVar (database versions not stated): ExAC below 0.00001.

Submissions (2):

Labcorp Genetics (formerly Invitae), Labcorp
Classification: Likely pathogenic for Charcot-Marie-Tooth disease axonal type 2F. Last evaluated: 2025-03-31. Review status: criteria provided, single submitter. Criteria: Invitae Variant Classification Sherloc (09022015). Collection method: clinical testing. Allele origin: germline.
Comment: This sequence change replaces glycine, which is neutral and non-polar, with tryptophan, which is neutral and slightly polar, at codon 84 of the HSPB1 protein (p.Gly84Trp). This variant is not present in population databases (gnomAD no frequency). This variant has not been reported in the literature in individuals affected with HSPB1-related conditions. ClinVar contains an entry for this variant (Variation ID: 948718). Invitae Evidence Modeling of protein sequence and biophysical properties (such as structural, functional, and spatial information, amino acid conservation, physicochemical variation, residue mobility, and thermodynamic stability) indicates that this missense variant is expected to disrupt HSPB1 protein function with a positive predictive value of 95%. This variant disrupts the p.Gly84 amino acid residue in HSPB1. Other variant(s) that disrupt this residue have been determined to be pathogenic (PMID: 18344398, 18832141, 21892769, 23948568, 25429913). This suggests that this residue is clinically significant, and that variants that disrupt this residue are likely to be disease-causing. In summary, the currently available evidence indicates that the variant is pathogenic, but additional data are needed to prove that conclusively. Therefore, this variant has been classified as Likely Pathogenic.

CeGaT Center for Human Genetics Tuebingen
Classification: Uncertain significance. Last evaluated: 2024-06-01. Review status: criteria provided, single submitter. Criteria: CeGaT Center For Human Genetics Tuebingen Variant Classification Criteria Version 2. Collection method: clinical testing. Allele origin: germline. Affected: yes. Observed: 1 variant allele.
Comment: HSPB1: PM2, PM5, PP3

Literature cited by the submitters: PubMed 18344398 (cited by Labcorp Genetics (formerly Invitae), Labcorp); PubMed 18832141 (cited by Labcorp Genetics (formerly Invitae), Labcorp); PubMed 21892769 (cited by Labcorp Genetics (formerly Invitae), Labcorp); PubMed 23948568 (cited by Labcorp Genetics (formerly Invitae), Labcorp); PubMed 25429913 (cited by Labcorp Genetics (formerly Invitae), Labcorp).

NM_001540.5(HSPB1):c.250G>T (p.Gly84Trp)

Gene: HSPB1 (heat shock protein family B (small) member 1; plus strand). Cytogenetic location: 7q11.23.
Variant type: single nucleotide variant.
Coding change: c.250G>T on transcript NM_001540.5 (MANE Select); coding-DNA position 250, G replaced by T.
Protein change: p.Gly84Trp; replaces glycine 84 with tryptophan.
Molecular consequence: missense variant.
Genome position (GRCh38, 1-based): chr7:76,302,962, G>T. VCF-style: chr7-76302962-G-T. GRCh37 (hg19) VCF-style: chr7-75932279-G-T.
Other names: short protein forms G84W.
Identifiers: ClinVar variation 948718 (VCV000948718.27), dbSNP rs770272088, ClinGen allele CA4306296.